The following is an entry in ClinVar:

NM_014927.5(CNKSR2):c.1319T>C (p.Ile440Thr)

Gene: CNKSR2 (connector enhancer of kinase suppressor of Ras 2; plus strand). Cytogenetic location: Xp22.12.
Variant type: single nucleotide variant.
Coding change: c.1319T>C on transcript NM_014927.5 (MANE Select); coding-DNA position 1319, T replaced by C.
Protein change: p.Ile440Thr; replaces isoleucine 440 with threonine.
Molecular consequence: missense variant. On other transcripts: intron variant (4).
Genome position (GRCh38, 1-based): chrX:21,561,486, T>C. VCF-style: chrX-21561486-T-C. GRCh37 (hg19) VCF-style: chrX-21579604-T-C.
Other names: c.1319T>C, p.Ile440Thr (NM_001168648.3); c.1172T>C, p.Ile391Thr (NM_001168649.3, NM_001330770.2); c.1304-1752T>C (NM_001168647.3, NM_001330773.2); c.1157-1752T>C (NM_001330772.2, NM_001330771.2); short protein forms I391T, I440T.
Identifiers: ClinVar variation 3343689 (VCV003343689.2).

ClinVar aggregate classification (germline): Uncertain significance (1 of 4 stars; one submission).

Submission:

GeneDx
Classification: Uncertain significance. Last evaluated: 2025-11-11. Review status: criteria provided, single submitter. Criteria: GeneDx Variant Classification Process June 2021. Collection method: clinical testing. Allele origin: germline.
Comment: Not observed at significant frequency in large population cohorts (gnomAD); In silico analysis supports that this missense variant has a deleterious effect on protein structure/function; Has not been previously published as pathogenic or benign to our knowledge